The following is an entry in ClinVar:

ClinVar aggregate classification (germline): Uncertain significance (1 of 4 stars; one submission).

Conditions:
Dilated cardiomyopathy 1DD (CMD1DD). Identifiers: Orphanet 154, MedGen C2750995, MONDO:0013168, OMIM 613172.

Allele frequency attached by ClinVar (database versions not stated): gnomAD exomes below 0.00001; gnomAD 0.00001.
gnomAD v4.1: 4 of 1,551,488 alleles (0.00026%); highest among the groups gnomAD compares: Admixed American, 0.0039%; no homozygotes.

Submission:

Labcorp Genetics (formerly Invitae), Labcorp
Classification: Uncertain significance for Dilated cardiomyopathy 1DD. Last evaluated: 2023-11-24. Review status: criteria provided, single submitter. Criteria: Invitae Variant Classification Sherloc (09022015). Collection method: clinical testing. Allele origin: germline.
Comment: This sequence change replaces asparagine, which is neutral and polar, with serine, which is neutral and polar, at codon 524 of the RBM20 protein (p.Asn524Ser). This variant is not present in population databases (gnomAD no frequency). This variant has not been reported in the literature in individuals affected with RBM20-related conditions. Advanced modeling of protein sequence and biophysical properties (such as structural, functional, and spatial information, amino acid conservation, physicochemical variation, residue mobility, and thermodynamic stability) performed at Invitae indicates that this missense variant is not expected to disrupt RBM20 protein function with a negative predictive value of 95%. In summary, the available evidence is currently insufficient to determine the role of this variant in disease. Therefore, it has been classified as a Variant of Uncertain Significance.

NM_001134363.3(RBM20):c.1571A>G (p.Asn524Ser)

Gene: RBM20 (RNA binding motif protein 20; plus strand). Cytogenetic location: 10q25.2.
Variant type: single nucleotide variant.
Coding change: c.1571A>G on transcript NM_001134363.3 (MANE Select); coding-DNA position 1571, A replaced by G.
Protein change: p.Asn524Ser; replaces asparagine 524 with serine.
Molecular consequence: missense variant.
Genome position (GRCh38, 1-based): chr10:110,797,551, A>G. VCF-style: chr10-110797551-A-G. GRCh37 (hg19) VCF-style: chr10-112557309-A-G.
Other names: short protein forms N524S.
Identifiers: ClinVar variation 2912286 (VCV002912286.3), dbSNP rs749165561, ClinGen allele CA213244937.